The following is an entry in ClinVar:

ClinVar aggregate classification (germline): Uncertain significance (1 of 4 stars; one submission).

Conditions:
Ectodermal dysplasia 10A, hypohidrotic/hair/nail type, autosomal dominant (ECTD10A). Also called: Ectodermal Dysplasia 3, Anhidrotic. Identifiers: Orphanet 1810, Orphanet 238468, MedGen C3888065, MONDO:0007509, OMIM 129490.
Autosomal recessive hypohidrotic ectodermal dysplasia syndrome. Also called: Autosomal recessive hypohidrotic ectodermal dysplasia. Identifiers: Orphanet 248, MedGen C0406702, MONDO:0016619.

Allele frequency attached by ClinVar (database versions not stated): ESP Exome Variant Server 0.00008; 1000 Genomes Project 30x 0.00031.
gnomAD v4.1: 15 of 1,613,888 alleles (0.00093%); highest among the groups gnomAD compares: Middle Eastern, 0.017%; no homozygotes.

Submission:

Labcorp Genetics (formerly Invitae), Labcorp
Classification: Uncertain significance for Ectodermal dysplasia 10A, hypohidrotic/hair/nail type, autosomal dominant; Autosomal recessive hypohidrotic ectodermal dysplasia syndrome. Last evaluated: 2024-06-03. Review status: criteria provided, single submitter. Criteria: Invitae Variant Classification Sherloc (09022015). Collection method: clinical testing. Allele origin: germline.
Comment: This sequence change replaces proline, which is neutral and non-polar, with arginine, which is basic and polar, at codon 49 of the EDAR protein (p.Pro49Arg). This variant is present in population databases (rs375891208, gnomAD 0.008%). This variant has not been reported in the literature in individuals affected with EDAR-related conditions. Advanced modeling of protein sequence and biophysical properties (such as structural, functional, and spatial information, amino acid conservation, physicochemical variation, residue mobility, and thermodynamic stability) has been performed at Invitae for this missense variant, however the output from this modeling did not meet the statistical confidence thresholds required to predict the impact of this variant on EDAR protein function. In summary, the available evidence is currently insufficient to determine the role of this variant in disease. Therefore, it has been classified as a Variant of Uncertain Significance.

NM_022336.4(EDAR):c.146C>G (p.Pro49Arg)

Genes: EDAR (ectodysplasin A receptor; minus strand), RANBP2 (RAN binding protein 2; plus strand). Cytogenetic location: 2q13.
Variant type: single nucleotide variant.
Coding change: c.146C>G on transcript NM_022336.4 (MANE Select); coding-DNA position 146, C replaced by G.
Protein change: p.Pro49Arg; replaces proline 49 with arginine.
Molecular consequence: missense variant.
Genome position (GRCh38, 1-based): chr2:108,930,148, G>C on the plus strand (C>G on the coding strand, the complement: EDAR is on the minus strand). VCF-style: chr2-108930148-G-C. GRCh37 (hg19) VCF-style: chr2-109546604-G-C.
Other names: short protein forms P49R.
Identifiers: ClinVar variation 2923765 (VCV002923765.3), dbSNP rs375891208, ClinGen allele CA1825199.